The following is an entry in ClinVar:

NM_000834.5(GRIN2B):c.2452A>C (p.Met818Leu)

Gene: GRIN2B (glutamate ionotropic receptor NMDA type subunit 2B; minus strand). Cytogenetic location: 12p13.1.
Variant type: single nucleotide variant.
Coding change: c.2452A>C on transcript NM_000834.5 (MANE Select); coding-DNA position 2452, A replaced by C.
Protein change: p.Met818Leu; replaces methionine 818 with leucine.
Molecular consequence: missense variant.
Genome position (GRCh38, 1-based): chr12:13,567,171, T>G on the plus strand (A>C on the coding strand, the complement: GRIN2B is on the minus strand). VCF-style: chr12-13567171-T-G. GRCh37 (hg19) VCF-style: chr12-13720105-T-G.
Other names: short protein forms M818L.
Identifiers: ClinVar variation 234546 (VCV000234546.3), dbSNP rs876661076, ClinGen allele CA10577444.

ClinVar aggregate classification (germline): Likely pathogenic. Review status: criteria provided, multiple submitters, no conflicts (2 of 4 stars). 2 submissions from 2 submitters: Likely pathogenic (2). Last evaluated 2017-04-04.

Conditions:
Intellectual developmental disorder, autosomal dominant 6, with or without seizures. Also called: Intellectual disability, autosomal dominant 6; GRIN2B-related developmental delay, intellectual disability and autism spectrum disorder. Identifiers: Orphanet 589547, MedGen C3151411, MONDO:0013509, OMIM 613970.

Submissions (2):

Institute of Human Genetics, University of Leipzig Medical Center
Classification: Likely pathogenic for Intellectual developmental disorder, autosomal dominant 6, with or without seizures. Last evaluated: 2017-04-04. Review status: criteria provided, single submitter. Criteria: ACMG Guidelines, 2015. Collection method: clinical testing. Allele origin: de novo. Affected: yes.
Comment: This variant was identified as de novo (maternity and paternity confirmed).

GeneDx
Classification: Likely pathogenic. Last evaluated: 2015-10-13. Review status: criteria provided, single submitter. Criteria: GeneDx Variant Classification (06012015). Collection method: clinical testing. Allele origin: germline. Affected: yes.
Comment: The M818L variant has not been published as a pathogenic variant, nor has it been reported as a benign variant to our knowledge. It was not observed in approximately 6,500 individuals of European and African American ancestry in the NHLBI Exome Sequencing Project, indicating it is not a common benign variant in these populations. This substitution alters a conserved position predicted to be within the third transmembrane domain of the GRIN2B protein. In silico analysis predicts this variant is probably damaging to the protein structure/function. However, the M818L variant is a conservative amino acid substitution, which is not likely to impact secondary protein structure as these residues share similar properties. Therefore, this variant is likely pathogenic; however, the possibility that it is benign cannot be excluded.

Literature cited by the submitters: PubMed 28377535 (cited by Institute of Human Genetics, University of Leipzig Medical Center).